The following is an entry in ClinVar:

NM_001366521.1(ATP2B1):c.791C>T (p.Thr264Ile)

Gene: ATP2B1 (ATPase plasma membrane Ca2+ transporting 1; minus strand). Cytogenetic location: 12q21.33.
Variant type: single nucleotide variant.
Coding change: c.791C>T on transcript NM_001366521.1 (MANE Select); coding-DNA position 791, C replaced by T.
Protein change: p.Thr264Ile; replaces threonine 264 with isoleucine.
Molecular consequence: missense variant. On other transcripts: intron variant (2).
Genome position (GRCh38, 1-based): chr12:89,630,642, G>A on the plus strand (C>T on the coding strand, the complement: ATP2B1 is on the minus strand). VCF-style: chr12-89630642-G-A. GRCh37 (hg19) VCF-style: chr12-90024419-G-A.
Other names: c.791C>T, p.Thr264Ile (NM_001366523.1, NM_001366524.1, NM_001366525.1 and 8 more transcripts); c.593C>T, p.Thr198Ile (NM_001366530.1); c.407-4027C>T (NM_001366531.1, NM_001366532.1); short protein forms T198I, T264I.
Identifiers: ClinVar variation 1679160 (VCV001679160.4), dbSNP rs2136158725, ClinGen allele CA386127078.

ClinVar aggregate classification (germline): Likely pathogenic. Review status: criteria provided, single submitter (1 of 4 stars). 2 submissions from 2 submitters: Likely pathogenic (1). 1 of the submissions does not count toward it. Last evaluated 2022-04-11.

Conditions:
Intellectual developmental disorder, autosomal dominant 66. Also called: MENTAL RETARDATION, AUTOSOMAL DOMINANT 66. Identifiers: MedGen C5677000, MONDO:0030891, OMIM 619910.
Neurodevelopmental disorder. Identifiers: MedGen C1535926, MeSH D065886, MONDO:0700092.

Submissions (2):

Institute of Human Genetics, University of Leipzig Medical Center
Classification: Likely pathogenic for Neurodevelopmental disorder. Last evaluated: 2022-04-11. Review status: criteria provided, single submitter. Criteria: ACMG Guidelines, 2015. Collection method: clinical testing. Allele origin: de novo. Affected: yes.
Comment: This variant was identified as de novo (maternity and paternity confirmed)._x000D_ Criteria applied: PS2_MOD, PS3_SUP, PM1_MOD, PM2_SUP, PP2, PP3

OMIM
Classification: Pathogenic for INTELLECTUAL DEVELOPMENTAL DISORDER, AUTOSOMAL DOMINANT 66. Last evaluated: 2026-01-31. Review status: no assertion criteria provided. Collection method: literature only. Allele origin: germline. Not counted in ClinVar's aggregate classification.

Literature cited by the submitters: PubMed 35358416 (cited by Institute of Human Genetics, University of Leipzig Medical Center); PubMed 41223852 (cited by OMIM).